The following is an entry in ClinVar:

ClinVar aggregate classification (germline): Uncertain significance. Review status: criteria provided, multiple submitters, no conflicts (2 of 4 stars). 4 submissions from 4 submitters: Uncertain significance (4). Last evaluated 2024-08-31.

Conditions:
Hereditary cancer-predisposing syndrome. Also called: Hereditary neoplastic syndrome; Hereditary Cancer Syndrome; Neoplastic Syndromes, Hereditary; Tumor predisposition. Identifiers: Orphanet 140162, MedGen C0027672, MeSH D009386, MONDO:0015356.
Microcephaly, normal intelligence and immunodeficiency (NBS). Also called: BERLIN BREAKAGE SYNDROME; SEEMANOVA SYNDROME II; Immunodeficiency, microcephaly with normal intelligence; Nijmegen breakage syndrome; Microcephaly with normal intelligence immunodeficiency and lymphoreticular malignancies; Nonsyndromal microcephaly autosomal recessive with normal intelligence. Identifiers: Orphanet 647, MedGen C0398791, MONDO:0009623, OMIM 251260.

Allele frequency attached by ClinVar (database versions not stated): TOPMed below 0.00001; ExAC 0.00001; gnomAD 0.00001; gnomAD exomes 0.00001.
gnomAD v4.1: 23 of 1,613,090 alleles (0.0014%); highest among the groups gnomAD compares: Non-Finnish European, 0.0019%; no homozygotes.

Submissions (4):

Ambry Genetics
Classification: Uncertain significance for Hereditary cancer-predisposing syndrome. Last evaluated: 2024-08-31. Review status: criteria provided, single submitter. Criteria: Ambry Variant Classification Scheme 2023. Collection method: clinical testing. Allele origin: germline.
Comment: The p.E217Q variant (also known as c.649G>C), located in coding exon 6 of the NBN gene, results from a G to C substitution at nucleotide position 649. The glutamic acid at codon 217 is replaced by glutamine, an amino acid with highly similar properties. This amino acid position is conserved. In addition, this alteration is predicted to be tolerated by in silico analysis. Since supporting evidence is limited at this time, the clinical significance of this alteration remains unclear.

Genome-Nilou Lab
Classification: Uncertain significance for Microcephaly, normal intelligence and immunodeficiency. Last evaluated: 2021-11-07. Review status: criteria provided, single submitter. Criteria: ACMG Guidelines, 2015. Collection method: clinical testing. Allele origin: germline. Affected: no.

Labcorp Genetics (formerly Invitae), Labcorp
Classification: Uncertain significance for Microcephaly, normal intelligence and immunodeficiency. Last evaluated: 2021-10-27. Review status: criteria provided, single submitter. Criteria: Invitae Variant Classification Sherloc (09022015). Collection method: clinical testing. Allele origin: germline.
Comment: This sequence change replaces glutamic acid, a(n) acidic and polar amino acid, with glutamine, a(n) neutral and polar amino acid, at codon 217 of the NBN protein (p.Glu217Gln). This variant is present in population databases (rs760275251, gnomAD 0.002%). This variant has not been reported in the literature in individuals affected with NBN-related conditions. ClinVar contains an entry for this variant (Variation ID: 423259). Algorithms developed to predict the effect of missense changes on protein structure and function are either unavailable or do not agree on the potential impact of this missense change (SIFT: "Tolerated"; PolyPhen-2: "Probably Damaging"; Align-GVGD: "Class C0"). In summary, the available evidence is currently insufficient to determine the role of this variant in disease. Therefore, it has been classified as a Variant of Uncertain Significance.

GeneDx
Classification: Uncertain significance. Last evaluated: 2017-01-31. Review status: criteria provided, single submitter. Criteria: GeneDx Variant Classification (06012015). Collection method: clinical testing. Allele origin: germline. Affected: yes.
Comment: This variant is denoted NBN c.649G>C at the cDNA level, p.Glu217Gln (E217Q) at the protein level, and results in the change of a Glutamic Acid to a Glutamine (GAA>CAA). This variant has not, to our knowledge, been published in the literature as pathogenic or benign. NBN Glu217Gln was not observed in approximately 6,500 individuals of European and African American ancestry in the NHLBI Exome Sequencing Project, suggesting it is not a common benign variant in these populations. Since Glutamic Acid and Glutamine differ in some properties, this is considered a semi-conservative amino acid substitution. NBN Glu217Gln occurs at a position that is conserved in mammals and is not located in a known functional domain. In silico analyses are inconsistent regarding the effect this variant may have on protein structure and function. Based on currently available evidence, it is unclear whether NBN Glu217Gln is a pathogenic or benign variant. We consider it to be a variant of uncertain significance.

NM_002485.5(NBN):c.649G>C (p.Glu217Gln)

Gene: NBN (nibrin; minus strand). Cytogenetic location: 8q21.3.
Variant type: single nucleotide variant.
Coding change: c.649G>C on transcript NM_002485.5 (MANE Select); coding-DNA position 649, G replaced by C.
Protein change: p.Glu217Gln; replaces glutamic acid 217 with glutamine.
Molecular consequence: missense variant.
Genome position (GRCh38, 1-based): chr8:89,971,226, C>G on the plus strand (G>C on the coding strand, the complement: NBN is on the minus strand). VCF-style: chr8-89971226-C-G. GRCh37 (hg19) VCF-style: chr8-90983454-C-G.
Other names: c.403G>C, p.Glu135Gln (NM_001024688.3); short protein forms E217Q, E135Q.
Identifiers: ClinVar variation 423259 (VCV000423259.11), dbSNP rs760275251, ClinGen allele CA4802915.